The following is an entry in ClinVar:

ClinVar aggregate classification (germline): Uncertain significance (1 of 4 stars; one submission).

Conditions:
SETD2-related disorder.

gnomAD v4.1: 1 of 1,605,216 alleles (0.000062%); highest among the groups gnomAD compares: Admixed American, 0.0017%; no homozygotes.

Submission:

PreventionGenetics, part of Exact Sciences
Classification: Uncertain significance for SETD2-related condition. Last evaluated: 2026-02-14. Review status: criteria provided, single submitter. Criteria: ACMG Guidelines, 2015. Collection method: clinical testing. Allele origin: germline.
Comment: The SETD2 c.4586+5G>A variant is predicted to interfere with splicing. This variant is predicted to impact splicing based on one available splicing algorithm (SpliceAI, Jaganathan et al. 2019. PubMed ID: 30661751). To our knowledge, this variant has not been reported in the literature or in a large population database (gnomAD), indicating this variant is rare. At this time, the clinical significance of this variant is uncertain due to the absence of conclusive functional and genetic evidence.

NM_014159.7(SETD2):c.4586+5G>A

Gene: SETD2 (SET domain containing 2, histone lysine methyltransferase; minus strand). Cytogenetic location: 3p21.31.
Variant type: single nucleotide variant.
Coding change: c.4586+5G>A on transcript NM_014159.7 (MANE Select); 5 bases into the intron after coding-DNA position 4586, G replaced by A.
Molecular consequence: intron variant.
Genome position (GRCh38, 1-based): chr3:47,116,618, C>T on the plus strand (G>A on the coding strand, the complement: SETD2 is on the minus strand). VCF-style: chr3-47116618-C-T. GRCh37 (hg19) VCF-style: chr3-47158108-C-T.
Other names: c.4454+5G>A (NM_001349370.3).
Identifiers: ClinVar variation 4997042 (VCV004997042.1).